The following is an entry in ClinVar:

ClinVar aggregate classification (germline): Uncertain significance (1 of 4 stars; one submission).

Submission:

Labcorp Genetics (formerly Invitae), Labcorp
Classification: Uncertain significance. Last evaluated: 2025-08-04. Review status: criteria provided, single submitter. Criteria: Invitae Variant Classification Sherloc (09022015). Collection method: clinical testing. Allele origin: germline.
Comment: This sequence change replaces aspartic acid, which is acidic and polar, with glycine, which is neutral and non-polar, at codon 1309 of the COL2A1 protein (p.Asp1309Gly). This variant is not present in population databases (gnomAD no frequency). This variant has not been reported in the literature in individuals affected with COL2A1-related conditions. ClinVar contains an entry for this variant (Variation ID: 2761789). Invitae Evidence Modeling of protein sequence and biophysical properties (such as structural, functional, and spatial information, amino acid conservation, physicochemical variation, residue mobility, and thermodynamic stability) indicates that this missense variant is expected to disrupt COL2A1 protein function with a positive predictive value of 80%. This variant disrupts the p.Asp1309 amino acid residue in COL2A1. Other variant(s) that disrupt this residue have been determined to be pathogenic (internal data). This suggests that this residue is clinically significant, and that variants that disrupt this residue are likely to be disease-causing. In summary, the available evidence is currently insufficient to determine the role of this variant in disease. Therefore, it has been classified as a Variant of Uncertain Significance.

NM_001844.5(COL2A1):c.3926A>G (p.Asp1309Gly)

Gene: COL2A1 (collagen type II alpha 1 chain; minus strand). Cytogenetic location: 12q13.11.
Variant type: single nucleotide variant.
Coding change: c.3926A>G on transcript NM_001844.5 (MANE Select); coding-DNA position 3926, A replaced by G.
Protein change: p.Asp1309Gly; replaces aspartic acid 1309 with glycine.
Molecular consequence: missense variant.
Genome position (GRCh38, 1-based): chr12:47,974,823, T>C on the plus strand (A>G on the coding strand, the complement: COL2A1 is on the minus strand). VCF-style: chr12-47974823-T-C. GRCh37 (hg19) VCF-style: chr12-48368606-T-C.
Other names: c.3719A>G, p.Asp1240Gly (NM_033150.3); short protein forms D1240G, D1309G.
Identifiers: ClinVar variation 2761789 (VCV002761789.3), dbSNP rs2540097710, ClinGen allele CA384536050.